The following is an entry in ClinVar:

NM_001355436.2(SPTB):c.4909G>A (p.Gly1637Ser)

Gene: SPTB (spectrin beta, erythrocytic; minus strand). Cytogenetic location: 14q23.3.
Variant type: single nucleotide variant.
Coding change: c.4909G>A on transcript NM_001355436.2 (MANE Select); coding-DNA position 4909, G replaced by A.
Protein change: p.Gly1637Ser; replaces glycine 1637 with serine.
Molecular consequence: missense variant.
Genome position (GRCh38, 1-based): chr14:64,774,461, C>T on the plus strand (G>A on the coding strand, the complement: SPTB is on the minus strand). VCF-style: chr14-64774461-C-T. GRCh37 (hg19) VCF-style: chr14-65241179-C-T.
Other names: c.4909G>A, p.Gly1637Ser (NM_001024858.4, NM_001355437.2); short protein forms G1637S.
Identifiers: ClinVar variation 3061299 (VCV003061299.3), dbSNP rs1227874792, ClinGen allele CA390043173.
Genomic context (GRCh38, chr14:64,774,461, plus strand): 5'-CAGGGTGGCCTGCAGACAGCAGGCCCTGGGCCCGGCTGGCCAGCTGCTTGATGTTCCGGC[C>T]GTAGTCCTCCACCGCACGCTGCTGCCGCAAATGTCGCTTCAGCATCACAATGGCGCCCTC-3'
Protein context (NP_001342365.1, residues 1627-1647): LRQQRAVEDY[Gly1637Ser]RNIKQLASRA

ClinVar aggregate classification (germline): Uncertain significance. Review status: criteria provided, single submitter (1 of 4 stars). 2 submissions from 2 submitters: Uncertain significance (1). 1 of the submissions does not count toward it. Last evaluated 2025-12-17.

Conditions:
SPTB-related disorder. Also called: SPTB-Related Disorders; SPTB-related condition.

Allele frequency attached by ClinVar (database versions not stated): gnomAD exomes below 0.00001; TOPMed below 0.00001.
gnomAD v4.1: 2 of 1,562,852 alleles (0.00013%); highest among the groups gnomAD compares: South Asian, 0.0012%; no homozygotes.

Submissions (2):

Labcorp Genetics (formerly Invitae), Labcorp
Classification: Uncertain significance. Last evaluated: 2025-12-17. Review status: criteria provided, single submitter. Criteria: Invitae Variant Classification Sherloc (09022015). Collection method: clinical testing. Allele origin: germline.
Comment: This sequence change replaces glycine, which is neutral and non-polar, with serine, which is neutral and polar, at codon 1637 of the SPTB protein (p.Gly1637Ser). This variant is not present in population databases (gnomAD no frequency). This variant has not been reported in the literature in individuals affected with SPTB-related conditions. ClinVar contains an entry for this variant (Variation ID: 3061299). An algorithm developed to predict the effect of missense changes on protein structure and function (PolyPhen-2) suggests that this variant is likely to be disruptive. In summary, the available evidence is currently insufficient to determine the role of this variant in disease. Therefore, it has been classified as a Variant of Uncertain Significance.

PreventionGenetics, part of Exact Sciences
Classification: Uncertain significance for SPTB-related condition. Last evaluated: 2024-01-23. Review status: no assertion criteria provided. Collection method: clinical testing. Allele origin: germline. Not counted in ClinVar's aggregate classification.
Comment: The SPTB c.4909G>A variant is predicted to result in the amino acid substitution p.Gly1637Ser. To our knowledge, this variant has not been reported in the literature or in a large population database, indicating this variant is rare. At this time, the clinical significance of this variant is uncertain due to the absence of conclusive functional and genetic evidence.